The following is an entry in ClinVar:

ClinVar aggregate classification (germline): Uncertain significance. Review status: criteria provided, multiple submitters, no conflicts (2 of 4 stars). 2 submissions from 2 submitters: Uncertain significance (2). Last evaluated 2025-06-03.

Conditions:
Inborn genetic diseases. Identifiers: MedGen C0950123, MeSH D030342.
ALG12-congenital disorder of glycosylation (CDG1G). Also called: Congenital disorder of glycosylation, type Ig; CDG Ig; ALG12-CDG. Identifiers: Orphanet 79324, MedGen C2931001, MONDO:0011783, OMIM 607143.

Allele frequency attached by ClinVar (database versions not stated): ExAC 0.00002; gnomAD exomes 0.00002; gnomAD 0.00003; TOPMed 0.00005.

Submissions (2):

Ambry Genetics
Classification: Uncertain significance for Inborn genetic diseases. Last evaluated: 2025-06-03. Review status: criteria provided, single submitter. Criteria: Ambry Variant Classification Scheme 2023. Collection method: clinical testing. Allele origin: germline.

Labcorp Genetics (formerly Invitae), Labcorp
Classification: Uncertain significance for ALG12-congenital disorder of glycosylation. Last evaluated: 2021-08-27. Review status: criteria provided, single submitter. Criteria: Invitae Variant Classification Sherloc (09022015). Collection method: clinical testing. Allele origin: germline.
Comment: This sequence change replaces arginine with glutamine at codon 202 of the ALG12 protein (p.Arg202Gln). The arginine residue is moderately conserved and there is a small physicochemical difference between arginine and glutamine. This variant is present in population databases (rs746493927, ExAC 0.01%). This variant has not been reported in the literature in individuals affected with ALG12-related conditions. Algorithms developed to predict the effect of missense changes on protein structure and function are either unavailable or do not agree on the potential impact of this missense change (SIFT: "Tolerated"; PolyPhen-2: "Possibly Damaging"; Align-GVGD: "Class C0"). In summary, the available evidence is currently insufficient to determine the role of this variant in disease. Therefore, it has been classified as a Variant of Uncertain Significance.

NM_024105.4(ALG12):c.605G>A (p.Arg202Gln)

Gene: ALG12 (ALG12 alpha-1,6-mannosyltransferase; minus strand). Cytogenetic location: 22q13.33.
Variant type: single nucleotide variant.
Coding change: c.605G>A on transcript NM_024105.4 (MANE Select); coding-DNA position 605, G replaced by A.
Protein change: p.Arg202Gln; replaces arginine 202 with glutamine.
Molecular consequence: missense variant.
Genome position (GRCh38, 1-based): chr22:49,909,953, C>T on the plus strand (G>A on the coding strand, the complement: ALG12 is on the minus strand). VCF-style: chr22-49909953-C-T. GRCh37 (hg19) VCF-style: chr22-50303601-C-T.
Other names: short protein forms R202Q.
Identifiers: ClinVar variation 959833 (VCV000959833.8), dbSNP rs746493927, ClinGen allele CA10300549.
Genomic context (GRCh38, chr22:49,909,953, plus strand): 5'-CCTAAACAGAGGATCCCTGCCGGGACGGCGTGGCGAAGGGCTCTGACTACAGAAACCTTT[C>T]GGTTGCCCAAGGCCAGCAGCAGCAGGAGGCCCAGGAACAGGCACAGCTCCACCCTGAACA-3'
Protein context (NP_077010.1, residues 192-212): GLLLLLALGN[Arg202Gln]KVSVVRALRH